The following is an entry in ClinVar:

ClinVar aggregate classification (germline): Uncertain significance. Review status: criteria provided, multiple submitters, no conflicts (2 of 4 stars). 3 submissions from 3 submitters: Uncertain significance (3). Last evaluated 2025-07-15.

Conditions:
Inborn genetic diseases. Identifiers: MedGen C0950123, MeSH D030342.

Allele frequency attached by ClinVar (database versions not stated): gnomAD exomes below 0.00001 and 0.00001; ExAC 0.00001; TOPMed 0.00001.
gnomAD v4.1: 3 of 1,613,722 alleles (0.00019%); highest among the groups gnomAD compares: Admixed American, 0.0017%; no homozygotes.

Submissions (3):

Ambry Genetics
Classification: Uncertain significance for Inborn genetic diseases. Last evaluated: 2025-07-15. Review status: criteria provided, single submitter. Criteria: Ambry Variant Classification Scheme 2023. Collection method: clinical testing. Allele origin: germline.

GeneDx
Classification: Uncertain significance. Last evaluated: 2023-04-04. Review status: criteria provided, single submitter. Criteria: GeneDx Variant Classification Process June 2021. Collection method: clinical testing. Allele origin: germline. Affected: yes.
Comment: Not observed at significant frequency in large population cohorts (gnomAD); In silico analysis supports that this missense variant has a deleterious effect on protein structure/function; Has not been previously published as pathogenic or benign to our knowledge

Labcorp Genetics (formerly Invitae), Labcorp
Classification: Uncertain significance. Last evaluated: 2022-03-03. Review status: criteria provided, single submitter. Criteria: Invitae Variant Classification Sherloc (09022015). Collection method: clinical testing. Allele origin: germline.
Comment: In summary, the available evidence is currently insufficient to determine the role of this variant in disease. Therefore, it has been classified as a Variant of Uncertain Significance. Algorithms developed to predict the effect of missense changes on protein structure and function (SIFT, PolyPhen-2, Align-GVGD) all suggest that this variant is likely to be disruptive. This variant has not been reported in the literature in individuals affected with HERC1-related conditions. This variant is present in population databases (rs748019019, gnomAD 0.0009%). This sequence change replaces glutamine, which is neutral and polar, with proline, which is neutral and non-polar, at codon 3979 of the HERC1 protein (p.Gln3979Pro).

NM_003922.4(HERC1):c.11936A>C (p.Gln3979Pro)

Gene: HERC1 (HECT and RLD domain containing E3 ubiquitin protein ligase family member 1; minus strand). Cytogenetic location: 15q22.31.
Variant type: single nucleotide variant.
Coding change: c.11936A>C on transcript NM_003922.4 (MANE Select); coding-DNA position 11936, A replaced by C.
Protein change: p.Gln3979Pro; replaces glutamine 3979 with proline.
Molecular consequence: missense variant.
Genome position (GRCh38, 1-based): chr15:63,638,742, T>G on the plus strand (A>C on the coding strand, the complement: HERC1 is on the minus strand). VCF-style: chr15-63638742-T-G. GRCh37 (hg19) VCF-style: chr15-63930941-T-G.
Other names: c.11936A>C (NM_003922.3); short protein forms Q3979P.
Identifiers: ClinVar variation 1399609 (VCV001399609.10), dbSNP rs748019019, ClinGen allele CA7604111.